The following is an entry in ClinVar:

NM_003190.5(TAPBP):c.382A>G (p.Ile128Val)

Gene: TAPBP (TAP binding protein; minus strand). Cytogenetic location: 6p21.32.
Variant type: single nucleotide variant.
Coding change: c.382A>G on transcript NM_003190.5 (MANE Select); coding-DNA position 382, A replaced by G.
Protein change: p.Ile128Val; replaces isoleucine 128 with valine.
Molecular consequence: missense variant. On other transcripts: intron variant (1).
Genome position (GRCh38, 1-based): chr6:33,313,304, T>C on the plus strand (A>G on the coding strand, the complement: TAPBP is on the minus strand). VCF-style: chr6-33313304-T-C. GRCh37 (hg19) VCF-style: chr6-33281081-T-C.
Other names: c.382A>G, p.Ile128Val (NM_001410875.1, NM_172208.3); c.208+390A>G (NM_172209.3); short protein forms I128V.
Identifiers: ClinVar variation 4693690 (VCV004693690.1).

ClinVar aggregate classification (germline): Uncertain significance (1 of 4 stars; one submission).

Conditions:
MHC class I deficiency. Identifiers: Orphanet 34592, MedGen C6024714, MONDO:0011476.

Submission:

Labcorp Genetics (formerly Invitae), Labcorp
Classification: Uncertain significance for MHC class I deficiency 1. Last evaluated: 2025-10-22. Review status: criteria provided, single submitter. Criteria: Invitae Variant Classification Sherloc (09022015). Collection method: clinical testing. Allele origin: germline.
Comment: This sequence change replaces isoleucine, which is neutral and non-polar, with valine, which is neutral and non-polar, at codon 128 of the TAPBP protein (p.Ile128Val). This variant is not present in population databases (gnomAD no frequency). This variant has not been reported in the literature in individuals affected with TAPBP-related conditions. An algorithm developed to predict the effect of missense changes on protein structure and function outputs the following: PolyPhen-2: "Benign". The valine amino acid residue is found in multiple mammalian species, which suggests that this missense change does not adversely affect protein function. In summary, the available evidence is currently insufficient to determine the role of this variant in disease. Therefore, it has been classified as a Variant of Uncertain Significance.